The following is an entry in ClinVar:

NM_024334.3(TMEM43):c.583+8T>C

Gene: TMEM43 (transmembrane protein 43; plus strand). Cytogenetic location: 3p25.1.
Variant type: single nucleotide variant.
Coding change: c.583+8T>C on transcript NM_024334.3 (MANE Select); 8 bases into the intron after coding-DNA position 583, T replaced by C.
Molecular consequence: intron variant.
Genome position (GRCh38, 1-based): chr3:14,133,817, T>C. VCF-style: chr3-14133817-T-C. GRCh37 (hg19) VCF-style: chr3-14175317-T-C.
Identifiers: ClinVar variation 700795 (VCV000700795.38), dbSNP rs377518739, ClinGen allele CA054533.

ClinVar aggregate classification (germline): Likely benign. Review status: criteria provided, multiple submitters, no conflicts (2 of 4 stars). 2 submissions from 2 submitters: Likely benign (2). Last evaluated 2025-12-09.

Conditions:
Arrhythmogenic right ventricular dysplasia 5. Also called: Arrhythmogenic Right Ventricular Dysplasia/Cardiomyopathy 5; ARRHYTHMOGENIC RIGHT VENTRICULAR DYSPLASIA, FAMILIAL, 5. Identifiers: MedGen C1858379, MONDO:0011459, OMIM 604400.

Allele frequency attached by ClinVar (database versions not stated): gnomAD 0.00001; TOPMed 0.00002.
gnomAD v4.1: 14 of 1,613,794 alleles (0.00087%); highest among the groups gnomAD compares: Admixed American, 0.015%; no homozygotes.

Submissions (2):

Labcorp Genetics (formerly Invitae), Labcorp
Classification: Likely benign for Arrhythmogenic right ventricular dysplasia 5. Last evaluated: 2025-12-09. Review status: criteria provided, single submitter. Criteria: Invitae Variant Classification Sherloc (09022015). Collection method: clinical testing. Allele origin: germline.

CeGaT Center for Human Genetics Tuebingen
Classification: Likely benign. Last evaluated: 2023-11-01. Review status: criteria provided, single submitter. Criteria: CeGaT Center For Human Genetics Tuebingen Variant Classification Criteria Version 2. Collection method: clinical testing. Allele origin: germline. Affected: yes. Observed: 2 variant alleles.
Comment: TMEM43: BP4